The following is an entry in ClinVar:

NM_001164508.2(NEB):c.22220del (p.Leu7407fs)

Genes: RIF1 (replication timing regulatory factor 1; plus strand), NEB (nebulin; minus strand). Cytogenetic location: 2q23.3.
Variant type: Deletion.
Coding change: c.22220del on transcript NM_001164508.2 (MANE Select); coding-DNA position 22220, one base deleted (T; older notation c.22220delT).
Protein change: p.Leu7407fs; shifts the reading frame from leucine 7407.
Molecular consequence: frameshift variant.
Genome position (GRCh38, 1-based): chr2:151,525,215, A deleted on the plus strand (T on the coding strand, the reverse complement: NEB is on the minus strand). VCF-style (leftmost placement, unchanged base first): chr2-151525214-CA-C. GRCh37 (hg19) VCF-style: chr2-152381728-CA-C.
Other names: NM_001164508.2(NEB):c.22220del; p.Leu7407fs; c.22220del, p.Leu7407fs (NM_001164507.2); c.22325del, p.Leu7442fs (NM_001271208.2); c.17117del, p.Leu5706fs (NM_004543.5); short protein forms L7407fs, L5706fs, L7442fs.
Identifiers: ClinVar variation 1954350 (VCV001954350.6), dbSNP rs1229469680, ClinGen allele CA758870494.
Genomic context (GRCh38, chr2:151,525,214, plus strand): 5'-AAAACTTACATCACTTTGCTTCTTGGCCACTTCCATAGCATGTTTCACCTCTGGTGGCTC[CA>C]GCATGATGGAGTAGTTGGATTTTCCTTTCTCCTTGACAAACTTCTTTTTGTAATTTGTCT-3'

ClinVar aggregate classification (germline): Pathogenic/Likely pathogenic. Review status: criteria provided, multiple submitters, no conflicts (2 of 4 stars). 2 submissions from 2 submitters: Pathogenic (1); Likely pathogenic (1). Last evaluated 2025-03-03.

Conditions:
Nemaline myopathy. Also called: Myopathies, Nemaline. Identifiers: Orphanet 607, MedGen C0206157, MONDO:0018958.
Nemaline myopathy 2 (NEM2). Also called: Nemaline myopathy 2, autosomal recessive. Identifiers: MedGen C1850569, MONDO:0009725, OMIM 256030.

Allele frequency attached by ClinVar (database versions not stated): gnomAD exomes below 0.00001; TOPMed 0.00001.

Submissions (2):

Broad Center for Mendelian Genomics, Broad Institute of MIT and Harvard
Classification: Likely pathogenic for Nemaline myopathy. Last evaluated: 2025-03-03. Review status: criteria provided, single submitter. Criteria: ACMG Guidelines, 2015. Collection method: curation. Allele origin: germline. Inheritance: Autosomal recessive inheritance.
Comment: The p.Leu7407ArgfsTer6 variant in NEB has not been previously reported in the literature in individuals with nemaline myopathy, but has been identified in 0.0002% (2/1179854) of European (non-Finnish) chromosomes by the Genome Aggregation Database (gnomAD; dbSNP ID: rs1229469680). Although this variant has been seen in the general population in a heterozygous state, its frequency is low enough to be consistent with a recessive carrier frequency. This variant has also been reported in ClinVar (Variation ID: 1954350) and has been interpreted as pathogenic by Invitae. This variant is predicted to cause a frameshift, which alters the protein‚Äôs amino acid sequence beginning at position 7407 and leads to a premature termination codon 6 amino acids downstream. This alteration is then predicted to lead to a truncated or absent protein. Loss of function of the NEB gene is an established disease mechanism in autosomal recessive nemaline myopathy. In summary, although additional studies are required to fully establish its clinical significance, this variant is likely pathogenic for autosomal recessive nemaline myopathy. ACMG/AMP Criteria applied: PVS1, PM2_supporting (Richards 2015).

Labcorp Genetics (formerly Invitae), Labcorp
Classification: Pathogenic for Nemaline myopathy 2. Last evaluated: 2023-01-09. Review status: criteria provided, single submitter. Criteria: Invitae Variant Classification Sherloc (09022015). Collection method: clinical testing. Allele origin: germline.
Comment: This sequence change creates a premature translational stop signal (p.Leu7442Argfs*6) in the NEB gene. It is expected to result in an absent or disrupted protein product. Loss-of-function variants in NEB are known to be pathogenic (PMID: 25205138). This variant is not present in population databases (gnomAD no frequency). This variant has not been reported in the literature in individuals affected with NEB-related conditions. For these reasons, this variant has been classified as Pathogenic.

Literature cited by the submitters: PubMed 25205138 (cited by Labcorp Genetics (formerly Invitae), Labcorp).